The following is an entry in ClinVar:

NM_000412.5(HRG):c.735C>A (p.Asp245Glu)

Gene: HRG (histidine rich glycoprotein; plus strand). Cytogenetic location: 3q27.3.
Variant type: single nucleotide variant.
Coding change: c.735C>A on transcript NM_000412.5 (MANE Select); coding-DNA position 735, C replaced by A.
Protein change: p.Asp245Glu; replaces aspartic acid 245 with glutamic acid.
Molecular consequence: missense variant.
Genome position (GRCh38, 1-based): chr3:186,675,184, C>A. VCF-style: chr3-186675184-C-A. GRCh37 (hg19) VCF-style: chr3-186392973-C-A.
Other names: short protein forms D245E.
Identifiers: ClinVar variation 2372747 (VCV002372747.3), dbSNP rs146147437, ClinGen allele CA2745779.

ClinVar aggregate classification (germline): Conflicting classifications of pathogenicity. Review status: criteria provided, conflicting classifications (1 of 4 stars). 2 submissions from 2 submitters: Uncertain significance (1); Likely benign (1). Last evaluated 2025-07-30.

Conditions:
HRG-related disorder. Also called: HRG-related condition.

Allele frequency attached by ClinVar (database versions not stated): ESP Exome Variant Server 0.00023.
gnomAD v4.1: 81 of 1,609,962 alleles (0.005%); highest among the groups gnomAD compares: African/African-American, 0.091%; no homozygotes.

Submissions (2):

PreventionGenetics, part of Exact Sciences
Classification: Likely benign for HRG-related condition. Last evaluated: 2025-07-30. Review status: criteria provided, single submitter. Criteria: ACMG Guidelines, 2015. Collection method: clinical testing. Allele origin: germline.
Comment: This variant is classified as likely benign based on ACMG/AMP sequence variant interpretation guidelines (Richards et al. 2015 PMID: 25741868, with internal and published modifications).

Ambry Genetics
Classification: Uncertain significance. Last evaluated: 2021-09-01. Review status: criteria provided, single submitter. Criteria: Ambry Variant Classification Scheme 2023. Collection method: clinical testing. Allele origin: germline.